The following is an entry in ClinVar:

NM_001018115.3(FANCD2):c.1601A>G (p.Tyr534Cys)

Genes: FANCD2 (FA complementation group D2; plus strand), LOC107303338 (3p25 FANCD2 Alu-mediated recombination region; plus strand). Cytogenetic location: 3p25.3.
Variant type: single nucleotide variant.
Coding change: c.1601A>G on transcript NM_001018115.3 (MANE Select); coding-DNA position 1601, A replaced by G.
Protein change: p.Tyr534Cys; replaces tyrosine 534 with cysteine.
Molecular consequence: missense variant. On other transcripts: intron variant (1).
Genome position (GRCh38, 1-based): chr3:10,052,442, A>G. VCF-style: chr3-10052442-A-G. GRCh37 (hg19) VCF-style: chr3-10094126-A-G.
Other names: c.1601A>G, p.Tyr534Cys (NM_001319984.2, NM_001374254.1, NM_033084.6); c.1545+2937A>G (NM_001374253.1); short protein forms Y534C.
Identifiers: ClinVar variation 647630 (VCV000647630.12), dbSNP rs143701205, ClinGen allele CA2249722.

ClinVar aggregate classification (germline): Uncertain significance. Review status: criteria provided, multiple submitters, no conflicts (2 of 4 stars). 3 submissions from 3 submitters: Uncertain significance (3). Last evaluated 2024-05-08.

Conditions:
Fanconi anemia (FA). Also called: Fanconi's anemia. Identifiers: Orphanet 84, MedGen C0015625, MeSH D005199, MONDO:0019391.
Fanconi anemia complementation group D2. Also called: FANCD2-Related Fanconi Anemia; FANCONI PANCYTOPENIA, TYPE 4; FANCONI ANEMIA, COMPLEMENTATION GROUP D. Identifiers: Orphanet 84, MedGen C3160738, MONDO:0009214, OMIM 227646.

Allele frequency attached by ClinVar (database versions not stated): gnomAD 0.00006; TOPMed 0.00010; ESP Exome Variant Server 0.00015; 1000 Genomes Project 0.00020; 1000 Genomes Project 30x 0.00031.
gnomAD v4.1: 86 of 1,613,008 alleles (0.0053%); highest among the groups gnomAD compares: Admixed American, 0.01%; no homozygotes.

Submissions (3):

Labcorp Genetics (formerly Invitae), Labcorp
Classification: Uncertain significance for Fanconi anemia. Last evaluated: 2024-05-08. Review status: criteria provided, single submitter. Criteria: Invitae Variant Classification Sherloc (09022015). Collection method: clinical testing. Allele origin: germline.
Comment: This sequence change replaces tyrosine, which is neutral and polar, with cysteine, which is neutral and slightly polar, at codon 534 of the FANCD2 protein (p.Tyr534Cys). This variant is present in population databases (rs143701205, gnomAD 0.01%). This variant has not been reported in the literature in individuals affected with FANCD2-related conditions. ClinVar contains an entry for this variant (Variation ID: 647630). Advanced modeling of protein sequence and biophysical properties (such as structural, functional, and spatial information, amino acid conservation, physicochemical variation, residue mobility, and thermodynamic stability) performed at Invitae indicates that this missense variant is not expected to disrupt FANCD2 protein function with a negative predictive value of 80%. In summary, the available evidence is currently insufficient to determine the role of this variant in disease. Therefore, it has been classified as a Variant of Uncertain Significance.

Genetic Services Laboratory, University of Chicago
Classification: Uncertain significance. Last evaluated: 2021-11-17. Review status: criteria provided, single submitter. Criteria: ACMG Guidelines, 2015. Collection method: clinical testing. Allele origin: germline. Affected: no.

Baylor Genetics
Classification: Uncertain significance for Fanconi anemia complementation group D2. Last evaluated: 2019-04-11. Review status: criteria provided, single submitter. Criteria: ACMG Guidelines, 2015. Collection method: clinical testing. Allele origin: maternal. Affected: yes.
Comment: This variant was determined to be of uncertain significance according to ACMG Guidelines, 2015 [PMID:25741868].